The following is an entry in ClinVar:

NM_006790.3(MYOT):c.937G>C (p.Val313Leu)

Genes: PKD2L2-DT (PKD2L2 divergent transcript; minus strand), MYOT (myotilin; plus strand). Cytogenetic location: 5q31.2.
Variant type: single nucleotide variant.
Coding change: c.937G>C on transcript NM_006790.3 (MANE Select); coding-DNA position 937, G replaced by C.
Protein change: p.Val313Leu; replaces valine 313 with leucine.
Molecular consequence: missense variant.
Genome position (GRCh38, 1-based): chr5:137,883,504, G>C. VCF-style: chr5-137883504-G-C. GRCh37 (hg19) VCF-style: chr5-137219193-G-C.
Other names: c.385G>C, p.Val129Leu (NM_001135940.2); c.592G>C, p.Val198Leu (NM_001300911.2); short protein forms V129L, V198L, V313L.
Identifiers: ClinVar variation 4759730 (VCV004759730.1).

ClinVar aggregate classification (germline): Uncertain significance (1 of 4 stars; one submission).

Conditions:
Myofibrillar myopathy 3 (MFM3). Also called: Autosomal dominant spheroid body myopathy; Muscular dystrophy, proximal, type 1A. Identifiers: Orphanet 266, Orphanet 268129, MedGen C3714934, MONDO:0012215, OMIM 609200.

gnomAD v4.1: 9 of 1,614,034 alleles (0.00056%); highest among the groups gnomAD compares: Middle Eastern, 0.033%; no homozygotes.

Submission:

Labcorp Genetics (formerly Invitae), Labcorp
Classification: Uncertain significance for Myofibrillar myopathy 3. Last evaluated: 2026-01-18. Review status: criteria provided, single submitter. Criteria: Invitae Variant Classification Sherloc (09022015). Collection method: clinical testing. Allele origin: germline.
Comment: This sequence change replaces valine, which is neutral and non-polar, with leucine, which is neutral and non-polar, at codon 313 of the MYOT protein (p.Val313Leu). This variant is present in population databases (no rsID available, gnomAD 0.003%). This variant has not been reported in the literature in individuals affected with MYOT-related conditions. Invitae Evidence Modeling of protein sequence and biophysical properties (such as structural, functional, and spatial information, amino acid conservation, physicochemical variation, residue mobility, and thermodynamic stability) indicates that this missense variant is not expected to disrupt MYOT protein function with a negative predictive value of 80%. In summary, the available evidence is currently insufficient to determine the role of this variant in disease. Therefore, it has been classified as a Variant of Uncertain Significance.